The following is an entry in ClinVar:

ClinVar aggregate classification (germline): Uncertain significance (1 of 4 stars; one submission).

Conditions:
Spermatogenic failure 18. Identifiers: MedGen C4539783, MONDO:0054615, OMIM 617576.
Ciliary dyskinesia, primary, 37 (CILD37). Also called: CILIARY DYSKINESIA, PRIMARY, 37, WITH OR WITHOUT SITUS INVERSUS. Identifiers: MedGen C4539798, MONDO:0033204, OMIM 617577.

Submission:

Labcorp Genetics (formerly Invitae), Labcorp
Classification: Uncertain significance for Ciliary dyskinesia, primary, 37; Spermatogenic failure 18. Last evaluated: 2022-02-24. Review status: criteria provided, single submitter. Criteria: Invitae Variant Classification Sherloc (09022015). Collection method: clinical testing. Allele origin: germline.
Comment: In summary, the available evidence is currently insufficient to determine the role of this variant in disease. Therefore, it has been classified as a Variant of Uncertain Significance. Algorithms developed to predict the effect of missense changes on protein structure and function (SIFT, PolyPhen-2, Align-GVGD) all suggest that this variant is likely to be disruptive. This variant has not been reported in the literature in individuals affected with DNAH1-related conditions. This variant is not present in population databases (gnomAD no frequency). This sequence change replaces aspartic acid, which is acidic and polar, with valine, which is neutral and non-polar, at codon 1752 of the DNAH1 protein (p.Asp1752Val).

NM_015512.5(DNAH1):c.5255A>T (p.Asp1752Val)

Gene: DNAH1 (dynein axonemal heavy chain 1; plus strand). Cytogenetic location: 3p21.1.
Variant type: single nucleotide variant.
Coding change: c.5255A>T on transcript NM_015512.5 (MANE Select); coding-DNA position 5255, A replaced by T.
Protein change: p.Asp1752Val; replaces aspartic acid 1752 with valine.
Molecular consequence: missense variant.
Genome position (GRCh38, 1-based): chr3:52,364,648, A>T. VCF-style: chr3-52364648-A-T. GRCh37 (hg19) VCF-style: chr3-52398664-A-T.
Other names: short protein forms D1752V.
Identifiers: ClinVar variation 1504705 (VCV001504705.8), dbSNP rs1702994653, ClinGen allele CA353142550.